The following is an entry in ClinVar:

NM_022336.4(EDAR):c.1018G>C (p.Val340Leu)

Genes: EDAR (ectodysplasin A receptor; minus strand), RANBP2 (RAN binding protein 2; plus strand). Cytogenetic location: 2q13.
Variant type: single nucleotide variant.
Coding change: c.1018G>C on transcript NM_022336.4 (MANE Select); coding-DNA position 1018, G replaced by C.
Protein change: p.Val340Leu; replaces valine 340 with leucine.
Molecular consequence: missense variant.
Genome position (GRCh38, 1-based): chr2:108,906,314, C>G on the plus strand (G>C on the coding strand, the complement: EDAR is on the minus strand). VCF-style: chr2-108906314-C-G. GRCh37 (hg19) VCF-style: chr2-109522770-C-G.
Other names: short protein forms V340L.
Identifiers: ClinVar variation 3899453 (VCV003899453.1).
Genomic context (GRCh38, chr2:108,906,314, plus strand): 5'-CCTTCATGTCGGTGGGGTGGGCACCACCTCTCCCAGGCTTTTTTTTCAGCTTACCTTCCA[C>G]GACTCCACACACGTTGGCATACACATCGAGGATCTTTTTCCTCCGGCTTTGAATCTGTGA-3'
Protein context (NP_071731.1, residues 330-350): LDVYANVCGV[Val340Leu]EGLSPTELPF

ClinVar aggregate classification (germline): Likely pathogenic (1 of 4 stars; one submission).

gnomAD v4.1: 29 of 1,614,076 alleles (0.0018%); highest among the groups gnomAD compares: South Asian, 0.029%; no homozygotes.

Submission:

GeneDx
Classification: Likely pathogenic. Last evaluated: 2024-11-15. Review status: criteria provided, single submitter. Criteria: GeneDx Variant Classification Process June 2021. Collection method: clinical testing. Allele origin: germline. Affected: yes.
Comment: Missense variants in this gene are a common cause of disease and they are underrepresented in the general population; In silico analysis indicates that this missense variant does not alter protein structure/function; This variant is associated with the following publications: (PMID: 22032522)